The following is an entry in ClinVar:

NC_012920.1(MT-CO2):m.8088del

Gene: MT-CO2 (mitochondrially encoded cytochrome c oxidase II; plus strand).
Variant type: Deletion.
Genome position: chrM-8086-AT-A.
Identifiers: ClinVar variation 488349 (VCV000488349.3), dbSNP rs1556423388, ClinGen allele CA658824402.

ClinVar aggregate classification (germline): Likely pathogenic. Review status: reviewed by expert panel (3 of 4 stars). 2 submissions from 2 submitters: Likely pathogenic (1). 1 of the submissions does not count toward it. Last evaluated 2024-02-26.

Conditions:
Mitochondrial disease. Also called: Mitochondrial disorder; Mitochondrial disorders. Identifiers: Orphanet 68380, MedGen C0751651, MeSH D028361, MONDO:0044970.
Mitochondrial complex IV deficiency, nuclear type 1 (MC4DN1). Also called: Complex 4 mitochondrial respiratory chain deficiency; Deficiency of mitochondrial respiratory chain complex4; Complex IV deficiency; COX DEFICIENCY; Mitochondrial complex IV deficiency. Identifiers: MedGen C5435656, MONDO:0700250, OMIM 220110. Disease mechanism: loss of function.

Submissions (2):

ClinGen Mitochondrial Disease Nuclear and Mitochondrial  Variant Curation Expert Panel, ClinGen
Classification: Likely pathogenic for Mitochondrial disease. Last evaluated: 2024-02-26. Review status: reviewed by expert panel. Criteria: clingen mito disease acmg specifications v1-1. Collection method: curation. Allele origin: germline. Inheritance: Mitochondrial inheritance.
Comment: Muscle biopsy showed COX deficiency, subsarcolemmal accumulation of mitochondria, and lipid accumulation. Complex IV activity was reduced in muscle (exome sequencing was performed excluding other genetic etiologies, PP4). The variant was present at 96% heteroplasmy in skeletal muscle, 2% in hair follicles, 5% in blood, 6% in fibroblasts, 12% in buccal sample, and 15% in urine. This variant causes a premature stop in the MT-CO2 gene resulting in truncation of 26% of the protein (PVS1_strong). This variant is absent in the MITOMAP GenBank dataset, gnomAD v3.1.2, and the Helix dataset (PM2_supporting). There are no in silico predictors for this type of variant in mitochondrial DNA. Single fiber testing showed higher levels of the variant in COX negative fibers (100%, n=14) than in COX positive fibers (40%, n=14), p<0.05 (PS3_supporting, PMID: 30315213). In summary, this variant meets criteria to be classified as likely pathogenic for primary mitochondrial disease inherited in a mitochondrial manner. This classification was approved by the NICHD/NINDS U24 ClinGen Mitochondrial Disease Variant Curation Expert Panel on February 26, 2024. Mitochondrial DNA-specific ACMG/AMP criteria applied (PMID: 32906214): PVS1_strong, PP4, PM6, PM2_supporting, PS3_supporting.

Department of Pathology and Genetics, University of Gothenburg
Classification: Pathogenic for Mitochondrial complex IV deficiency, nuclear type 1. Last evaluated: 2018-01-11. Review status: no assertion criteria provided. Collection method: clinical testing. Allele origin: de novo. Inheritance: Mitochondrial inheritance. Affected: yes. Not counted in ClinVar's aggregate classification.

Literature cited by the submitters: PubMed 30315213 (cited by ClinGen Mitochondrial Disease Nuclear and Mitochondrial  Variant Curation Expert Panel, ClinGen).